The following is an entry in ClinVar:

NM_002691.4(POLD1):c.2185G>C (p.Glu729Gln)

Gene: POLD1 (DNA polymerase delta 1, catalytic subunit; plus strand). Cytogenetic location: 19q13.33.
Variant type: single nucleotide variant.
Coding change: c.2185G>C on transcript NM_002691.4 (MANE Select); coding-DNA position 2185, G replaced by C.
Protein change: p.Glu729Gln; replaces glutamic acid 729 with glutamine.
Molecular consequence: missense variant. On other transcripts: non-coding transcript variant (1).
Genome position (GRCh38, 1-based): chr19:50,413,456, G>C. VCF-style: chr19-50413456-G-C. GRCh37 (hg19) VCF-style: chr19-50916713-G-C.
Other names: c.2185G>C, p.Glu729Gln (NM_001256849.1); c.2263G>C, p.Glu755Gln (NM_001308632.1); c.2185G>C (NM_002691.2); short protein forms E729Q, E755Q.
Identifiers: ClinVar variation 642270 (VCV000642270.11), dbSNP rs200931999, ClinGen allele CA406983556.
Genomic context (GRCh38, chr19:50,413,456, plus strand): 5'-CTTCACTCCGCATGATTCTCTCCCCGACAGAGCGTCACGGGGTTCGGACGTCAGATGATC[G>C]AGAAAACCAAGCAGCTGGTGGAGTCTAAGTACACAGTGGAGAATGGCTACAGCACCAGTG-3'
Protein context (NP_002682.2, residues 719-739): SVTGFGRQMI[Glu729Gln]KTKQLVESKY

ClinVar aggregate classification (germline): Uncertain significance. Review status: criteria provided, multiple submitters, no conflicts (2 of 4 stars). 2 submissions from 2 submitters: Uncertain significance (2). Last evaluated 2026-01-30.

Conditions:
Hereditary cancer-predisposing syndrome. Also called: Hereditary neoplastic syndrome; Tumor predisposition; Hereditary Cancer Syndrome; Neoplastic Syndromes, Hereditary. Identifiers: Orphanet 140162, MedGen C0027672, MeSH D009386, MONDO:0015356.
POLD1-related polyposis and colorectal cancer syndrome (CRCS10). Also called: Colorectal cancer, susceptibility to, 10; Colorectal cancer 10; COLORECTAL CANCER, SUSCEPTIBILITY TO, ON CHROMOSOME 19q. Identifiers: Orphanet 220460, MedGen C2675481, MONDO:0012953, OMIM 612591.

gnomAD v4.1: 4 of 1,613,218 alleles (0.00025%); highest among the groups gnomAD compares: African/African-American, 0.004%; no homozygotes.

Submissions (2):

Labcorp Genetics (formerly Invitae), Labcorp
Classification: Uncertain significance for POLD1-related polyposis and colorectal cancer syndrome. Last evaluated: 2026-01-30. Review status: criteria provided, single submitter. Criteria: Invitae Variant Classification Sherloc (09022015). Collection method: clinical testing. Allele origin: germline.
Comment: This sequence change replaces glutamic acid, which is acidic and polar, with glutamine, which is neutral and polar, at codon 729 of the POLD1 protein (p.Glu729Gln). This variant is present in population databases (no rsID available, gnomAD 0.01%). This variant has not been reported in the literature in individuals affected with POLD1-related conditions. ClinVar contains an entry for this variant (Variation ID: 642270). Invitae Evidence Modeling of protein sequence and biophysical properties (such as structural, functional, and spatial information, amino acid conservation, physicochemical variation, residue mobility, and thermodynamic stability) indicates that this missense variant is not expected to disrupt POLD1 protein function with a negative predictive value of 80%. In summary, the available evidence is currently insufficient to determine the role of this variant in disease. Therefore, it has been classified as a Variant of Uncertain Significance.

Ambry Genetics
Classification: Uncertain significance for Hereditary cancer-predisposing syndrome. Last evaluated: 2025-09-18. Review status: criteria provided, single submitter. Criteria: Ambry Variant Classification Scheme 2023. Collection method: clinical testing. Allele origin: germline.
Comment: The p.E729Q variant (also known as c.2185G>C), located in coding exon 17 of the POLD1 gene, results from a G to C substitution at nucleotide position 2185. The glutamic acid at codon 729 is replaced by glutamine, an amino acid with highly similar properties. This amino acid position is conserved. In addition, this alteration is predicted to be tolerated by in silico analysis. Based on the available evidence, the clinical significance of this variant remains unclear.